The following is an entry in ClinVar:

ClinVar aggregate classification (germline): Pathogenic/Likely pathogenic. Review status: criteria provided, multiple submitters, no conflicts (2 of 4 stars). 3 submissions from 3 submitters: Pathogenic (1); Likely pathogenic (2). Last evaluated 2026-08-11.

Conditions:
Cardiovascular phenotype. Identifiers: MedGen CN230736.
Long QT syndrome (LQTS). Identifiers: MedGen C0023976, MeSH D008133, MONDO:0002442. Disease mechanism: loss of function. Inheritance: Various modes of inheritance.

Submissions (3):

Ambry Genetics
Classification: Likely pathogenic for Cardiovascular phenotype. Last evaluated: 2026-08-11. Review status: criteria provided, single submitter. Criteria: Ambry Variant Classification Scheme 2023. Collection method: clinical testing. Allele origin: germline.
Comment: The c.3172dupG variant, located in coding exon 14 of the KCNH2 gene, results from a duplication of G at nucleotide position 3172, causing a translational frameshift with a predicted alternate stop codon (p.A1058Gfs*61). This variant occurs at the 3' terminus of the gene, is not expected to trigger nonsense-mediated mRNA decay, and impacts the last 8% of the protein. However, premature stop codons are typically deleterious in nature and the impacted region is critical for protein function (Ambry internal data). This variant was reported in individual(s) with features consistent with long QT syndrome (Tester DJ et al. Heart Rhythm, 2005 May;2:507-17; Ziegler A et al. JAMA, 2025 Jan;333:232-240). Note, this variant is also referred to as "ins G 3173, S1057fs/60*" in the literature. This variant is considered to be rare based on population cohorts in the Genome Aggregation Database (gnomAD). Based on the majority of available evidence to date, this variant is likely to be pathogenic.

Labcorp Genetics (formerly Invitae), Labcorp
Classification: Pathogenic for Long QT syndrome. Last evaluated: 2024-12-10. Review status: criteria provided, single submitter. Criteria: Invitae Variant Classification Sherloc (09022015). Collection method: clinical testing. Allele origin: germline.
Comment: This sequence change creates a premature translational stop signal (p.Ala1058Glyfs*61) in the KCNH2 gene. While this is not anticipated to result in nonsense mediated decay, it is expected to disrupt the last 102 amino acid(s) of the KCNH2 protein. This variant is not present in population databases (gnomAD no frequency). This premature translational stop signal has been observed in individual(s) with clinical features of long QT syndrome (PMID: 15840476). ClinVar contains an entry for this variant (Variation ID: 2136623). This variant disrupts a region of the KCNH2 protein in which other variant(s) (p.Glu1119*) have been determined to be pathogenic (PMID: 27920829). This suggests that this is a clinically significant region of the protein, and that variants that disrupt it are likely to be disease-causing. For these reasons, this variant has been classified as Pathogenic.

GeneDx
Classification: Likely pathogenic. Last evaluated: 2024-09-18. Review status: criteria provided, single submitter. Criteria: GeneDx Variant Classification Process June 2021. Collection method: clinical testing. Allele origin: germline. Affected: yes.
Comment: Observed in an individual with Long QT syndrome, patient specific clinical information was not provided (PMID: 15840476); Not observed at significant frequency in large population cohorts (gnomAD); Frameshift variant predicted to result in protein truncation, as the last 102 amino acids are replaced with 60 different amino acids, and other loss-of-function variants have been reported downstream in HGMD.; This variant is associated with the following publications: (PMID: 27920829, 15840476)

Literature cited by the submitters: PubMed 15840476 (cited by Ambry Genetics and Labcorp Genetics (formerly Invitae), Labcorp); PubMed 39446378 (cited by Ambry Genetics); PubMed 27920829 (cited by Labcorp Genetics (formerly Invitae), Labcorp).

NM_000238.4(KCNH2):c.3172dup (p.Ala1058fs)

Gene: KCNH2 (potassium voltage-gated channel subfamily H member 2; minus strand). Cytogenetic location: 7q36.1.
Variant type: Duplication.
Coding change: c.3172dup on transcript NM_000238.4 (MANE Select); coding-DNA position 3172, one base duplicated (G; older notation c.3172dupG).
Protein change: p.Ala1058fs; shifts the reading frame from alanine 1058.
Molecular consequence: frameshift variant.
Genome position (GRCh38, 1-based): chr7:150,947,035, C duplicated on the plus strand (G on the coding strand, the reverse complement: KCNH2 is on the minus strand). VCF-style (leftmost placement, unchanged base first): chr7-150947034-G-GC. GRCh37 (hg19) VCF-style: chr7-150644122-G-GC.
Other names: c.3172dup (NM_000238.2); c.2884dup, p.Ala962Glyfs (NM_001406753.1); c.2152dup, p.Ala718fs (NM_172057.3); c.3172dupG (NM_000238.3); short protein forms A1058fs, A718fs.
Identifiers: ClinVar variation 2136623 (VCV002136623.6), dbSNP rs2486001403, ClinGen allele CA2580077689.